The following is an entry in ClinVar:

NM_000611.6(CD59):c.251T>A (p.Leu84Gln)

Gene: CD59 (CD59 molecule (CD59 blood group); minus strand). Cytogenetic location: 11p13.
Variant type: single nucleotide variant.
Coding change: c.251T>A on transcript NM_000611.6 (MANE Select); coding-DNA position 251, T replaced by A.
Protein change: p.Leu84Gln; replaces leucine 84 with glutamine.
Molecular consequence: missense variant.
Genome position (GRCh38, 1-based): chr11:33,710,262, A>T on the plus strand (T>A on the coding strand, the complement: CD59 is on the minus strand). VCF-style: chr11-33710262-A-T. GRCh37 (hg19) VCF-style: chr11-33731808-A-T.
Other names: c.251T>A, p.Leu84Gln (NM_001127223.1, NM_001127225.2, NM_001127226.2 and 4 more transcripts); short protein forms L84Q.
Identifiers: ClinVar variation 1040668 (VCV001040668.8), dbSNP rs1853483590, ClinGen allele CA380020144.

ClinVar aggregate classification (germline): Uncertain significance (1 of 4 stars; one submission).

Allele frequency attached by ClinVar (database versions not stated): gnomAD exomes below 0.00001.
gnomAD v4.1: 1 of 1,614,196 alleles (0.000062%); highest among the groups gnomAD compares: Non-Finnish European, 0.000085%; no homozygotes.

Submission:

Labcorp Genetics (formerly Invitae), Labcorp
Classification: Uncertain significance. Last evaluated: 2020-10-07. Review status: criteria provided, single submitter. Criteria: Invitae Variant Classification Sherloc (09022015). Collection method: clinical testing. Allele origin: germline.
Comment: In summary, the available evidence is currently insufficient to determine the role of this variant in disease. Therefore, it has been classified as a Variant of Uncertain Significance. Algorithms developed to predict the effect of missense changes on protein structure and function (SIFT, PolyPhen-2, Align-GVGD) all suggest that this variant is likely to be disruptive, but these predictions have not been confirmed by published functional studies and their clinical significance is uncertain. This variant has not been reported in the literature in individuals with CD59-related conditions. This variant is not present in population databases (ExAC no frequency). This sequence change replaces leucine with glutamine at codon 84 of the CD59 protein (p.Leu84Gln). The leucine residue is highly conserved and there is a moderate physicochemical difference between leucine and glutamine.